The following is an entry in ClinVar:

NM_001083961.2(WDR62):c.3589C>A (p.Pro1197Thr)

Gene: WDR62 (WD repeat domain 62; plus strand). Cytogenetic location: 19q13.12.
Variant type: single nucleotide variant.
Coding change: c.3589C>A on transcript NM_001083961.2 (MANE Select); coding-DNA position 3589, C replaced by A.
Protein change: p.Pro1197Thr; replaces proline 1197 with threonine.
Molecular consequence: missense variant.
Genome position (GRCh38, 1-based): chr19:36,103,417, C>A. VCF-style: chr19-36103417-C-A. GRCh37 (hg19) VCF-style: chr19-36594319-C-A.
Other names: c.3574C>A, p.Pro1192Thr (NM_173636.5); short protein forms P1197T, P1192T.
Identifiers: ClinVar variation 437283 (VCV000437283.10), dbSNP rs375708869, ClinGen allele CA9396346.
Genomic context (GRCh38, chr19:36,103,417, plus strand): 5'-AGCCTGGCGTCCTGTGTCCCTGCTTCCTCCGTGCTGCCCACAGACAGGAATCTCCCAACG[C>A]CCACATCTGCACCCACCCCAGGCCTGGCTCAGGGTGTCCATGCCCCCTCCACCTGTTCCT-3'
Protein context (NP_001077430.1, residues 1187-1207): VLPTDRNLPT[Pro1197Thr]TSAPTPGLAQ

ClinVar aggregate classification (germline): Uncertain significance. Review status: criteria provided, multiple submitters, no conflicts (2 of 4 stars). 4 submissions from 4 submitters: Uncertain significance (4). Last evaluated 2025-09-15.

Conditions:
WDR62-related disorder. Also called: WDR62-related condition.
Inborn genetic diseases. Identifiers: MedGen C0950123, MeSH D030342.

Allele frequency attached by ClinVar (database versions not stated): ExAC 0.00002; gnomAD exomes 0.00002 and 0.00004; gnomAD 0.00025 and 0.00030; TOPMed 0.00026; ESP Exome Variant Server 0.00031.
gnomAD v4.1: 75 of 1,614,032 alleles (0.0046%); highest among the groups gnomAD compares: African/African-American, 0.093%; no homozygotes.

Submissions (4):

PreventionGenetics, part of Exact Sciences
Classification: Uncertain significance for WDR62-related condition. Last evaluated: 2025-09-15. Review status: criteria provided, single submitter. Criteria: ACMG Guidelines, 2015. Collection method: clinical testing. Allele origin: germline.
Comment: The WDR62 c.3589C>A variant is predicted to result in the amino acid substitution p.Pro1197Thr. To our knowledge, this variant has not been reported in the literature. This variant is reported in 0.060% of alleles in individuals of African descent in gnomAD. Although we suspect that this variant may be benign, at this time, the clinical significance of this variant is uncertain due to the absence of conclusive functional and genetic evidence.

Ambry Genetics
Classification: Uncertain significance for Inborn genetic diseases. Last evaluated: 2023-12-18. Review status: criteria provided, single submitter. Criteria: Ambry Variant Classification Scheme 2023. Collection method: clinical testing. Allele origin: germline.

GeneDx
Classification: Uncertain significance. Last evaluated: 2023-03-08. Review status: criteria provided, single submitter. Criteria: GeneDx Variant Classification Process June 2021. Collection method: clinical testing. Allele origin: germline. Affected: yes.
Comment: In silico analysis supports that this missense variant does not alter protein structure/function; Has not been previously published as pathogenic or benign to our knowledge

Genetic Services Laboratory, University of Chicago
Classification: Uncertain significance. Last evaluated: 2016-06-03. Review status: criteria provided, single submitter. Criteria: ACMG Guidelines, 2015. Collection method: clinical testing. Allele origin: germline. Affected: no.